The following is an entry in ClinVar:

ClinVar aggregate classification (germline): Conflicting classifications of pathogenicity. Review status: criteria provided, conflicting classifications (1 of 4 stars). 2 submissions from 2 submitters: Uncertain significance (1); Likely benign (1). Last evaluated 2025-09-10.

Conditions:
Inborn genetic diseases. Identifiers: MedGen C0950123, MeSH D030342.
LOXHD1-related disorder. Also called: LOXHD1-related condition.

Allele frequency attached by ClinVar (database versions not stated): gnomAD exomes 0.00002; gnomAD 0.00004; TOPMed 0.00004.
gnomAD v4.1: 29 of 1,552,028 alleles (0.0019%); highest among the groups gnomAD compares: African/African-American, 0.0082%; no homozygotes.

Submissions (2):

PreventionGenetics, part of Exact Sciences
Classification: Uncertain significance for LOXHD1-related condition. Last evaluated: 2025-09-10. Review status: criteria provided, single submitter. Criteria: ACMG Guidelines, 2015. Collection method: clinical testing. Allele origin: germline.
Comment: The LOXHD1 c.2197C>T variant is predicted to result in the amino acid substitution p.Arg733Cys. To our knowledge, this variant has not been reported in the literature. This variant is reported in 0.011% of alleles in individuals of African descent in gnomAD. At this time, the clinical significance of this variant is uncertain due to the absence of conclusive functional and genetic evidence.

Ambry Genetics
Classification: Likely benign for Inborn genetic diseases. Last evaluated: 2023-03-01. Review status: criteria provided, single submitter. Criteria: Ambry Variant Classification Scheme 2023. Collection method: clinical testing. Allele origin: germline.

NM_001384474.1(LOXHD1):c.2197C>T (p.Arg733Cys)

Gene: LOXHD1 (lipoxygenase homology PLAT domains 1; minus strand). Cytogenetic location: 18q21.1.
Variant type: single nucleotide variant.
Coding change: c.2197C>T on transcript NM_001384474.1 (MANE Select); coding-DNA position 2197, C replaced by T.
Protein change: p.Arg733Cys; replaces arginine 733 with cysteine.
Molecular consequence: missense variant.
Genome position (GRCh38, 1-based): chr18:46,569,489, G>A on the plus strand (C>T on the coding strand, the complement: LOXHD1 is on the minus strand). VCF-style: chr18-46569489-G-A. GRCh37 (hg19) VCF-style: chr18-44149452-G-A.
Other names: c.2197C>T, p.Arg733Cys (NM_144612.7); short protein forms R733C.
Identifiers: ClinVar variation 2492884 (VCV002492884.3), dbSNP rs999330231, ClinGen allele CA299797754.